The following is an entry in ClinVar:

ClinVar aggregate classification (germline): Uncertain significance. Review status: criteria provided, multiple submitters, no conflicts (2 of 4 stars). 3 submissions from 3 submitters: Uncertain significance (3). Last evaluated 2025-12-18.

Conditions:
Hereditary cancer-predisposing syndrome. Also called: Neoplastic Syndromes, Hereditary; Tumor predisposition; Hereditary neoplastic syndrome; Hereditary Cancer Syndrome. Identifiers: Orphanet 140162, MedGen C0027672, MeSH D009386, MONDO:0015356.
Familial adenomatous polyposis 1 (FAP1). Also called: POLYPOSIS, ADENOMATOUS INTESTINAL; FAMILIAL ADENOMATOUS POLYPOSIS 1, ATTENUATED. Identifiers: MedGen C2713442, MONDO:0021056, OMIM 175100. Disease mechanism: loss of function.

Allele frequency attached by ClinVar (database versions not stated): gnomAD exomes below 0.00001.
gnomAD v4.1: 1 of 1,614,076 alleles (0.000062%); highest among the groups gnomAD compares: South Asian, 0.0011%; no homozygotes.

Submissions (3):

Labcorp Genetics (formerly Invitae), Labcorp
Classification: Uncertain significance for Familial adenomatous polyposis 1. Last evaluated: 2025-12-18. Review status: criteria provided, single submitter. Criteria: Invitae Variant Classification Sherloc (09022015). Collection method: clinical testing. Allele origin: germline.
Comment: This sequence change replaces valine, which is neutral and non-polar, with methionine, which is neutral and non-polar, at codon 2278 of the APC protein (p.Val2278Met). This variant is not present in population databases (gnomAD no frequency). This variant has not been reported in the literature in individuals affected with APC-related conditions. ClinVar contains an entry for this variant (Variation ID: 629289). Invitae Evidence Modeling of protein sequence and biophysical properties (such as structural, functional, and spatial information, amino acid conservation, physicochemical variation, residue mobility, and thermodynamic stability) indicates that this missense variant is not expected to disrupt APC protein function with a negative predictive value of 95%. In summary, the available evidence is currently insufficient to determine the role of this variant in disease. Therefore, it has been classified as a Variant of Uncertain Significance.

Ambry Genetics
Classification: Uncertain significance for Hereditary cancer-predisposing syndrome. Last evaluated: 2025-06-10. Review status: criteria provided, single submitter. Criteria: Ambry Variant Classification Scheme 2023. Collection method: clinical testing. Allele origin: germline.
Comment: The p.V2278M variant (also known as c.6832G>A), located in coding exon 15 of the APC gene, results from a G to A substitution at nucleotide position 6832. The valine at codon 2278 is replaced by methionine, an amino acid with highly similar properties. This amino acid position is not well conserved in available vertebrate species. In addition, in silico predictors for this gene do not accurately predict pathogenicity. Missense alterations in APC are not a common cause of disease (Spier I et al. Genet Med. 2024 Feb;26(2):100992). Based on the available evidence, the clinical significance of this variant remains unclear.

Color Diagnostics, LLC DBA Color Health
Classification: Uncertain significance for Hereditary cancer-predisposing syndrome. Last evaluated: 2023-12-04. Review status: criteria provided, single submitter. Criteria: ACMG Guidelines, 2015. Collection method: clinical testing. Allele origin: germline.
Comment: This missense variant replaces valine with methionine at codon 2278 of the APC protein. Computational prediction suggests that this variant may not impact protein structure and function (internally defined REVEL score threshold <= 0.5, PMID: 27666373). To our knowledge, functional studies have not been reported for this variant. This variant has not been reported in individuals affected with APC-related disorders in the literature. This variant has not been identified in the general population by the Genome Aggregation Database (gnomAD). The available evidence is insufficient to determine the role of this variant in disease conclusively. Therefore, this variant is classified as a Variant of Uncertain Significance.

NM_000038.6(APC):c.6832G>A (p.Val2278Met)

Gene: APC (APC regulator of Wnt signaling pathway; plus strand). Cytogenetic location: 5q22.2.
Variant type: single nucleotide variant.
Coding change: c.6832G>A on transcript NM_000038.6 (MANE Select); coding-DNA position 6832, G replaced by A.
Protein change: p.Val2278Met; replaces valine 2278 with methionine.
Molecular consequence: missense variant.
Genome position (GRCh38, 1-based): chr5:112,842,426, G>A. VCF-style: chr5-112842426-G-A. GRCh37 (hg19) VCF-style: chr5-112178123-G-A.
Other names: c.6832G>A, p.Val2278Met (NM_001127510.3, NM_001354895.2); c.6778G>A, p.Val2260Met (NM_001127511.3); c.6886G>A, p.Val2296Met (NM_001354896.2); c.6862G>A, p.Val2288Met (NM_001354897.2); c.6757G>A, p.Val2253Met (NM_001354898.2); c.6748G>A, p.Val2250Met (NM_001354899.2); c.6709G>A, p.Val2237Met (NM_001354900.2); c.6655G>A, p.Val2219Met (NM_001354901.2); and 5 more; short protein forms V2278M, V2260M, V2152M, V2187M, V2219M, V2250M, V2253M, V2118M.
Identifiers: ClinVar variation 629289 (VCV000629289.10), dbSNP rs1561610531, ClinGen allele CA16036244.